The following is an entry in ClinVar:

ClinVar aggregate classification (germline): Conflicting classifications of pathogenicity. Review status: criteria provided, conflicting classifications (1 of 4 stars). 8 submissions from 8 submitters: Uncertain significance (1); Benign (2); Likely benign (4). 1 of the submissions does not count toward it. Last evaluated 2026-02-04.

Conditions:
PCDH15-related disorder. Also called: PCDH15-related disorders; PCDH15-related condition.
Inborn genetic diseases. Identifiers: MedGen C0950123, MeSH D030342.

Allele frequency attached by ClinVar (database versions not stated): gnomAD exomes 0.00016 and 0.00042; 1000 Genomes Project 0.00040; 1000 Genomes Project 30x 0.00047; ExAC 0.00052; ESP Exome Variant Server 0.00154; gnomAD 0.00188 and 0.00209; TOPMed 0.00188.
gnomAD v4.1: 525 of 1,612,704 alleles (0.033%); highest among the groups gnomAD compares: African/African-American, 0.62%; no homozygotes.

Submissions (8):

Labcorp Genetics (formerly Invitae), Labcorp
Classification: Likely benign. Last evaluated: 2026-02-04. Review status: criteria provided, single submitter. Criteria: Invitae Variant Classification Sherloc (09022015). Collection method: clinical testing. Allele origin: germline.

Mayo Clinic Laboratories, Mayo Clinic
Classification: Benign. Last evaluated: 2025-03-24. Review status: criteria provided, single submitter. Criteria: ACMG Guidelines, 2015. Collection method: clinical testing. Allele origin: germline. Observed: 1 variant allele.
Comment: BA1

Ambry Genetics
Classification: Uncertain significance for Inborn genetic diseases. Last evaluated: 2025-01-21. Review status: criteria provided, single submitter. Criteria: Ambry Variant Classification Scheme 2023. Collection method: clinical testing. Allele origin: germline.

Blueprint Genetics
Classification: Likely benign. Last evaluated: 2024-02-19. Review status: criteria provided, single submitter. Criteria: ACMG Guidelines, 2015. Collection method: clinical testing. Allele origin: germline.

GeneDx
Classification: Likely benign. Last evaluated: 2018-03-26. Review status: criteria provided, single submitter. Criteria: GeneDx Variant Classification (06012015). Collection method: clinical testing. Allele origin: germline. Affected: yes.
Comment: This variant is considered likely benign or benign based on one or more of the following criteria: it is a conservative change, it occurs at a poorly conserved position in the protein, it is predicted to be benign by multiple in silico algorithms, and/or has population frequency not consistent with disease.

Eurofins Ntd Llc (ga)
Classification: Likely benign. Last evaluated: 2016-08-03. Review status: criteria provided, single submitter. Criteria: EGL Classification Definitions 2015. Collection method: clinical testing. Allele origin: germline. Observed: 1 variant allele, 1 heterozygote.

Laboratory for Molecular Medicine, Mass General Brigham Personalized Medicine
Classification: Benign. Last evaluated: 2015-07-21. Review status: criteria provided, single submitter. Criteria: LMM Criteria. Collection method: clinical testing. Allele origin: germline. Observed: 2 variant alleles.
Comment: p.Val115Met in exon 5 of PCDH15: This variant is not expected to have clinical s ignificance because it has been identified in 0.6% (60/10352) of African chromos omes by the Exome Aggregation Consortium (ExAC,, dbSNP rs143570915).

PreventionGenetics, part of Exact Sciences
Classification: Likely benign for PCDH15-related condition. Last evaluated: 2020-02-26. Review status: no assertion criteria provided. Collection method: clinical testing. Allele origin: germline. Not counted in ClinVar's aggregate classification.
Comment: This variant is classified as likely benign based on ACMG/AMP sequence variant interpretation guidelines (Richards et al. 2015 PMID: 25741868, with internal and published modifications).

NM_001384140.1(PCDH15):c.343G>A (p.Val115Met)

Gene: PCDH15 (protocadherin related 15; minus strand). Cytogenetic location: 10q21.1.
Variant type: single nucleotide variant.
Coding change: c.343G>A on transcript NM_001384140.1 (MANE Select); coding-DNA position 343, G replaced by A.
Protein change: p.Val115Met; replaces valine 115 with methionine.
Molecular consequence: missense variant.
Genome position (GRCh38, 1-based): chr10:54,369,251, C>T on the plus strand (G>A on the coding strand, the complement: PCDH15 is on the minus strand). VCF-style: chr10-54369251-C-T. GRCh37 (hg19) VCF-style: chr10-56129011-C-T.
Other names: c.358G>A, p.Val120Met (NM_001142763.2, NM_001142769.4, NM_001142771.2); c.343G>A, p.Val115Met (NM_001142764.2, NM_001142765.2, NM_001142766.2 and 8 more transcripts); c.277G>A, p.Val93Met (NM_001142768.2, NM_001142773.2, NM_001354404.2); short protein forms V115M, V93M, V120M.
Identifiers: ClinVar variation 46467 (VCV000046467.25), dbSNP rs143570915, ClinGen allele CA138413.